The following is an entry in ClinVar:

ClinVar aggregate classification (germline): Benign/Likely benign. Review status: criteria provided, multiple submitters, no conflicts (2 of 4 stars). 7 submissions from 7 submitters: Benign (4); Likely benign (1). 2 of the submissions do not count toward it. Last evaluated 2026-02-01.

Conditions:
Hermansky-Pudlak syndrome (HPS). Also called: ALBINISM WITH HEMORRHAGIC DIATHESIS AND PIGMENTED RETICULOENDOTHELIAL CELLS. Identifiers: Orphanet 79430, MedGen C0079504, MONDO:0019312.
Hermansky-Pudlak syndrome 3 (HPS3). Identifiers: Orphanet 231512, Orphanet 79430, MedGen C3888001, MONDO:0013555, OMIM 614072.
HPS3-related disorder. Also called: HPS3-related condition.

Allele frequency attached by ClinVar (database versions not stated): gnomAD exomes 0.00042 and 0.00115; ExAC 0.00147; gnomAD 0.00459 and 0.00498; TOPMed 0.00471; 1000 Genomes Project 0.00499; 1000 Genomes Project 30x 0.00500; ESP Exome Variant Server 0.00546.
gnomAD v4.1: 1,336 of 1,614,240 alleles (0.083%); highest among the groups gnomAD compares: African/African-American, 1.6%; 9 homozygotes.

Submissions (7):

Labcorp Genetics (formerly Invitae), Labcorp
Classification: Benign. Last evaluated: 2026-02-01. Review status: criteria provided, single submitter. Criteria: Invitae Variant Classification Sherloc (09022015). Collection method: clinical testing. Allele origin: germline.

Blueprint Genetics
Classification: Likely benign. Last evaluated: 2024-11-13. Review status: criteria provided, single submitter. Criteria: ACMG Guidelines, 2015. Collection method: clinical testing. Allele origin: germline.

Illumina Laboratory Services, Illumina
Classification: Benign for Hermansky-Pudlak syndrome 3. Last evaluated: 2018-01-13. Review status: criteria provided, single submitter. Criteria: ICSL Variant Classification Criteria 13 December 2019. Collection method: clinical testing. Allele origin: germline.
Comment: This variant was observed in the ICSL laboratory as part of a predisposition screen in an ostensibly healthy population. It had not been previously curated by ICSL or reported in the Human Gene Mutation Database (HGMD: prior to June 1st, 2018), and was therefore a candidate for classification through an automated scoring system. Utilizing variant allele frequency, disease prevalence and penetrance estimates, and inheritance mode, an automated score was calculated to assess if this variant is too frequent to cause the disease. Based on the score and internal cut-off values, a variant classified as benign is not then subjected to further curation. The score for this variant resulted in a classification of benign for this disease.

Genetic Services Laboratory, University of Chicago
Classification: Benign. Last evaluated: 2017-12-21. Review status: criteria provided, single submitter. Criteria: ACMG Guidelines, 2015. Collection method: clinical testing. Allele origin: germline. Affected: no.

Breakthrough Genomics
Classification: Benign. Review status: criteria provided, single submitter. Criteria: ACMG Guidelines, 2015. Collection method: not provided. Allele origin: germline. Inheritance: Autosomal recessive inheritance. Affected: yes.

PreventionGenetics, part of Exact Sciences
Classification: Likely benign for HPS3-related condition. Last evaluated: 2024-07-08. Review status: no assertion criteria provided. Collection method: clinical testing. Allele origin: germline. Not counted in ClinVar's aggregate classification.
Comment: This variant is classified as likely benign based on ACMG/AMP sequence variant interpretation guidelines (Richards et al. 2015 PMID: 25741868, with internal and published modifications).

Natera, Inc.
Classification: Benign for Hermansky-Pudlak syndrome. Last evaluated: 2019-10-28. Review status: no assertion criteria provided. Collection method: clinical testing. Allele origin: germline. Not counted in ClinVar's aggregate classification.

NM_032383.5(HPS3):c.1366A>G (p.Ile456Val)

Gene: HPS3 (HPS3 biogenesis of lysosomal organelles complex 2 subunit 1; plus strand). Cytogenetic location: 3q24.
Variant type: single nucleotide variant.
Coding change: c.1366A>G on transcript NM_032383.5 (MANE Select); coding-DNA position 1366, A replaced by G.
Protein change: p.Ile456Val; replaces isoleucine 456 with valine.
Molecular consequence: missense variant.
Genome position (GRCh38, 1-based): chr3:149,153,614, A>G. VCF-style: chr3-149153614-A-G. GRCh37 (hg19) VCF-style: chr3-148871401-A-G.
Other names: c.871A>G, p.Ile291Val (NM_001308258.2); short protein forms I456V, I291V.
Identifiers: ClinVar variation 343705 (VCV000343705.22), dbSNP rs149640235, ClinGen allele CA2660071.